The following is an entry in ClinVar:

NM_138927.4(SON):c.2847T>C (p.Tyr949=)

Gene: SON (SON DNA and RNA binding protein; plus strand). Cytogenetic location: 21q22.11.
Variant type: single nucleotide variant.
Coding change: c.2847T>C on transcript NM_138927.4 (MANE Select); coding-DNA position 2847, T replaced by C.
Protein change: p.Tyr949=; no amino-acid change (tyrosine 949 retained).
Molecular consequence: synonymous variant. On other transcripts: non-coding transcript variant (1), intron variant (1).
Genome position (GRCh38, 1-based): chr21:33,552,078, T>C. VCF-style: chr21-33552078-T-C. GRCh37 (hg19) VCF-style: chr21-34924384-T-C.
Other names: c.2847T>C (NM_138927.2); c.2847T>C, p.Tyr949= (NM_001291411.2, NM_001412133.1, NM_032195.3 and 2 more transcripts); c.245-5078T>C (NM_001291412.3).
Identifiers: ClinVar variation 2160699 (VCV002160699.6), dbSNP rs374073129, ClinGen allele CA10009181.
Genomic context (GRCh38, chr21:33,552,078, plus strand): 5'-GTTGGGCCATGACCCCTATAGATTAGGTCATGATGCTTACAGGTTAGGACAAGACCCTTA[T>C]AGATTAGGCCATGATCCCTACAGACTAACTCCTGATCCCTATAGGATGTCACCTAGACCC-3'
Protein context (NP_620305.3, residues 939-959): HDAYRLGQDP[Tyr949=]RLGHDPYRLT

ClinVar aggregate classification (germline): Likely benign. Review status: criteria provided, single submitter (1 of 4 stars). 2 submissions from 2 submitters: Likely benign (1). 1 of the submissions does not count toward it. Last evaluated 2025-10-25.

Conditions:
SON-related disorder. Also called: SON-related condition.

Allele frequency attached by ClinVar (database versions not stated): gnomAD exomes 0.00003; ExAC 0.00006; ESP Exome Variant Server 0.00008; 1000 Genomes Project 30x 0.00016; 1000 Genomes Project 0.00020; gnomAD 0.00023; TOPMed 0.00030.
gnomAD v4.1: 87 of 1,614,018 alleles (0.0054%); highest among the groups gnomAD compares: African/African-American, 0.072%; no homozygotes.

Submissions (2):

Labcorp Genetics (formerly Invitae), Labcorp
Classification: Likely benign. Last evaluated: 2025-10-25. Review status: criteria provided, single submitter. Criteria: Invitae Variant Classification Sherloc (09022015). Collection method: clinical testing. Allele origin: germline.

PreventionGenetics, part of Exact Sciences
Classification: Likely benign for SON-related condition. Last evaluated: 2019-04-02. Review status: no assertion criteria provided. Collection method: clinical testing. Allele origin: germline. Not counted in ClinVar's aggregate classification.
Comment: This variant is classified as likely benign based on ACMG/AMP sequence variant interpretation guidelines (Richards et al. 2015 PMID: 25741868, with internal and published modifications).